The following is an entry in ClinVar:

NM_004958.4(MTOR):c.6391C>A (p.Leu2131Met)

Gene: MTOR (mechanistic target of rapamycin kinase; minus strand). Cytogenetic location: 1p36.22.
Variant type: single nucleotide variant.
Coding change: c.6391C>A on transcript NM_004958.4 (MANE Select); coding-DNA position 6391, C replaced by A.
Protein change: p.Leu2131Met; replaces leucine 2131 with methionine.
Molecular consequence: missense variant.
Genome position (GRCh38, 1-based): chr1:11,126,757, G>T on the plus strand (C>A on the coding strand, the complement: MTOR is on the minus strand). VCF-style: chr1-11126757-G-T. GRCh37 (hg19) VCF-style: chr1-11186814-G-T.
Other names: c.6391C>A, p.Leu2131Met (NM_001386500.1); c.5143C>A, p.Leu1715Met (NM_001386501.1); short protein forms L1715M, L2131M.
Identifiers: ClinVar variation 3633475 (VCV003633475.2).

ClinVar aggregate classification (germline): Uncertain significance (1 of 4 stars; one submission).

gnomAD v4.1: 1 of 1,614,160 alleles (0.000062%); highest among the groups gnomAD compares: Non-Finnish European, 0.000085%; no homozygotes.

Submission:

Labcorp Genetics (formerly Invitae), Labcorp
Classification: Uncertain significance. Last evaluated: 2024-09-17. Review status: criteria provided, single submitter. Criteria: Invitae Variant Classification Sherloc (09022015). Collection method: clinical testing. Allele origin: germline.
Comment: This sequence change replaces leucine, which is neutral and non-polar, with methionine, which is neutral and non-polar, at codon 2131 of the MTOR protein (p.Leu2131Met). This variant is not present in population databases (gnomAD no frequency). This variant has not been reported in the literature in individuals affected with MTOR-related conditions. Invitae Evidence Modeling of protein sequence and biophysical properties (such as structural, functional, and spatial information, amino acid conservation, physicochemical variation, residue mobility, and thermodynamic stability) indicates that this missense variant is not expected to disrupt MTOR protein function with a negative predictive value of 95%. In summary, the available evidence is currently insufficient to determine the role of this variant in disease. Therefore, it has been classified as a Variant of Uncertain Significance.